The following is an entry in ClinVar:

ClinVar aggregate classification (germline): Uncertain significance (1 of 4 stars; one submission).

Conditions:
Autosomal dominant limb-girdle muscular dystrophy type 1D (DNAJB6) (LGMDD1). Also called: MUSCULAR DYSTROPHY, LIMB-GIRDLE, TYPE 1D; MUSCULAR DYSTROPHY, AUTOSOMAL DOMINANT, WITH RIMMED VACUOLES; Autosomal dominant limb-girdle muscular dystrophy type 1D; Muscular dystrophy, limb-girdle, autosomal dominant 1. Identifiers: Orphanet 34516, MedGen C4721885, MONDO:0021018, OMIM 603511.

Submission:

Labcorp Genetics (formerly Invitae), Labcorp
Classification: Uncertain significance for Autosomal dominant limb-girdle muscular dystrophy type 1D (DNAJB6). Last evaluated: 2022-03-08. Review status: criteria provided, single submitter. Criteria: Invitae Variant Classification Sherloc (09022015). Collection method: clinical testing. Allele origin: germline.
Comment: In summary, the available evidence is currently insufficient to determine the role of this variant in disease. Therefore, it has been classified as a Variant of Uncertain Significance. This variant has not been reported in the literature in individuals affected with DNAJB6-related conditions. This variant is not present in population databases (gnomAD no frequency). This sequence change creates a premature translational stop signal (p.Pro16Thrfs*5) in the DNAJB6 gene. It is expected to result in an absent or disrupted protein product. However, the current clinical and genetic evidence is not sufficient to establish whether loss-of-function variants in DNAJB6 cause disease.

NM_058246.4(DNAJB6):c.45dup (p.Pro16fs)

Gene: DNAJB6 (DnaJ heat shock protein family (Hsp40) member B6; plus strand). Cytogenetic location: 7q36.3.
Variant type: Duplication.
Coding change: c.45dup on transcript NM_058246.4 (MANE Select); coding-DNA position 45, one base duplicated (A; older notation c.45dupA).
Protein change: p.Pro16fs; shifts the reading frame from proline 16.
Molecular consequence: frameshift variant.
Genome position (GRCh38, 1-based): chr7:157,358,617, A duplicated. VCF-style (leftmost placement, unchanged base first): chr7-157358616-C-CA. GRCh37 (hg19) VCF-style: chr7-157151310-C-CA.
Other names: c.45dup, p.Pro16fs (NM_001363676.1, NM_005494.3); short protein forms P16fs.
Identifiers: ClinVar variation 1509258 (VCV001509258.6), dbSNP rs2116948867, ClinGen allele CA2573141878.